The following is an entry in ClinVar:

NM_001370259.2(MEN1):c.164C>T (p.Pro55Leu)

Gene: MEN1 (menin 1; minus strand). Cytogenetic location: 11q13.1.
Variant type: single nucleotide variant.
Coding change: c.164C>T on transcript NM_001370259.2 (MANE Select); coding-DNA position 164, C replaced by T.
Protein change: p.Pro55Leu; replaces proline 55 with leucine.
Molecular consequence: missense variant. On other transcripts: non-coding transcript variant (4).
Genome position (GRCh38, 1-based): chr11:64,809,946, G>A on the plus strand (C>T on the coding strand, the complement: MEN1 is on the minus strand). VCF-style: chr11-64809946-G-A. GRCh37 (hg19) VCF-style: chr11-64577418-G-A.
Other names: c.164C>T, p.Pro55Leu (NM_000244.4, NM_001370251.2, NM_001370260.2 and 20 more transcripts); short protein forms P55L.
Identifiers: ClinVar variation 2880615 (VCV002880615.3), dbSNP rs2497280390, ClinGen allele CA381187737.

ClinVar aggregate classification (germline): Uncertain significance (1 of 4 stars; one submission).

Conditions:
Multiple endocrine neoplasia, type 1 (MEN1). Also called: MEN I; WERMER SYNDROME; Endocrine adenomatosis multiple; MEN 1; MEA I. Identifiers: Orphanet 652, MedGen C0025267, MeSH D018761, MONDO:0007540, OMIM 131100.

Submission:

Labcorp Genetics (formerly Invitae), Labcorp
Classification: Uncertain significance for Multiple endocrine neoplasia, type 1. Last evaluated: 2023-10-22. Review status: criteria provided, single submitter. Criteria: Invitae Variant Classification Sherloc (09022015). Collection method: clinical testing. Allele origin: germline.
Comment: This sequence change replaces proline, which is neutral and non-polar, with leucine, which is neutral and non-polar, at codon 55 of the MEN1 protein (p.Pro55Leu). This variant is not present in population databases (gnomAD no frequency). This variant has not been reported in the literature in individuals affected with MEN1-related conditions. Advanced modeling of protein sequence and biophysical properties (such as structural, functional, and spatial information, amino acid conservation, physicochemical variation, residue mobility, and thermodynamic stability) performed at Invitae indicates that this missense variant is expected to disrupt MEN1 protein function with a positive predictive value of 95%. In summary, the available evidence is currently insufficient to determine the role of this variant in disease. Therefore, it has been classified as a Variant of Uncertain Significance.